The following is an entry in ClinVar:

ClinVar aggregate classification (germline): Likely benign (1 of 4 stars; one submission).

Conditions:
NBAS-related disorder. Also called: NBAS-related condition.

gnomAD v4.1: 1 of 1,614,032 alleles (0.000062%); highest among the groups gnomAD compares: East Asian, 0.0022%; no homozygotes.

Submission:

PreventionGenetics, part of Exact Sciences
Classification: Likely benign for NBAS-related condition. Last evaluated: 2026-01-22. Review status: criteria provided, single submitter. Criteria: ACMG Guidelines, 2015. Collection method: clinical testing. Allele origin: germline.
Comment: This variant is classified as likely benign based on ACMG/AMP sequence variant interpretation guidelines (Richards et al. 2015 PMID: 25741868, with internal and published modifications).

NM_015909.4(NBAS):c.3939T>A (p.Pro1313=)

Gene: NBAS (NBAS subunit of NRZ tethering complex; minus strand). Cytogenetic location: 2p24.3.
Variant type: single nucleotide variant.
Coding change: c.3939T>A on transcript NM_015909.4 (MANE Select); coding-DNA position 3939, T replaced by A.
Protein change: p.Pro1313=; no amino-acid change (proline 1313 retained).
Molecular consequence: synonymous variant. On other transcripts: non-coding transcript variant (1).
Genome position (GRCh38, 1-based): chr2:15,353,703, A>T on the plus strand (T>A on the coding strand, the complement: NBAS is on the minus strand). VCF-style: chr2-15353703-A-T. GRCh37 (hg19) VCF-style: chr2-15493827-A-T.
Identifiers: ClinVar variation 4992164 (VCV004992164.1).
Genomic context (GRCh38, chr2:15,353,703, plus strand): 5'-AGTGGCCAAGTCCTGGTAACCTTCTGATTGTCCTAACTGGCTACAAACATCCCAACTTTT[A>T]GGATAACCTGCAAAATTGGCAAGGAAAAAAATGATTCCCAAAAGAAGAAGAATATTCAAT-3'
Protein context (NP_056993.2, residues 1303-1323): HCQELMATGY[Pro1313=]KSWDVCSQLG